The following is an entry in ClinVar:

NM_001077350.3(NPRL3):c.137dup (p.Tyr46Ter)

Genes: HBA-LCR (alpha-globin locus control region; plus strand), NPRL3 (NPR3 like, GATOR1 complex subunit; minus strand). Cytogenetic location: 16p13.3.
Variant type: Duplication.
Coding change: c.137dup on transcript NM_001077350.3 (MANE Select); coding-DNA position 137, one base duplicated (A; older notation c.137dupA).
Protein change: p.Tyr46Ter; replaces tyrosine 46 with a stop codon.
Molecular consequence: nonsense. On other transcripts: 5 prime UTR variant (2).
Genome position (GRCh38, 1-based): chr16:130,573, T duplicated on the plus strand (A on the coding strand, the reverse complement: NPRL3 is on the minus strand). VCF-style (leftmost placement, unchanged base first): chr16-130572-G-GT. GRCh37 (hg19) VCF-style: chr16-180571-G-GT.
Other names: NP_001070818.1:p.(Tyr46Ter); c.-196dup (NM_001039476.3); c.-235dup (NM_001243247.2); c.137dup, p.Tyr46Ter (NM_001243248.2, NM_001243249.2); short protein forms Y46*.
Identifiers: ClinVar variation 4852512 (VCV004852512.2).

ClinVar aggregate classification (germline): Pathogenic/Likely pathogenic. Review status: criteria provided, multiple submitters, no conflicts (2 of 4 stars). 2 submissions from 2 submitters: Pathogenic (1); Likely pathogenic (1). Last evaluated 2024-02-22.

Conditions:
West syndrome. Also called: Infantile epileptic spasms syndrome. Identifiers: Orphanet 3451, Orphanet 697160, MedGen C0037769, MONDO:0018097. Disease mechanism: loss of function.
NPRL3-related disorder. Also called: NPRL3-related condition.

Submissions (2):

Blueprint Genetics
Classification: Pathogenic for NPRL3-related disorders. Last evaluated: 2024-02-22. Review status: criteria provided, single submitter. Criteria: ACMG Guidelines, 2015. Collection method: clinical testing. Allele origin: germline. Affected: yes. Observed: 3 variant alleles.

Unidad de Genómica Garrahan, Hospital de Pediatría Garrahan
Classification: Likely pathogenic for West syndrome. Last evaluated: 2024-01-01. Review status: criteria provided, single submitter. Criteria: ACMG Guidelines, 2015. Collection method: clinical testing. Allele origin: germline. Affected: yes. Observed: 1 variant allele.
Comment: ACMG/AMP criteria applied: PVS1, PM2. Incomplete penetrance and variable expressivity described (PMID:36937533).